The following is an entry in ClinVar:

ClinVar aggregate classification (germline): Uncertain significance. Review status: criteria provided, multiple submitters, no conflicts (2 of 4 stars). 2 submissions from 2 submitters: Uncertain significance (2). Last evaluated 2025-08-05.

Conditions:
Inborn genetic diseases. Identifiers: MedGen C0950123, MeSH D030342.

Allele frequency attached by ClinVar (database versions not stated): gnomAD exomes 0.00001; ExAC 0.00003; TOPMed 0.00003.
gnomAD v4.1: 7 of 1,613,960 alleles (0.00043%); highest among the groups gnomAD compares: Admixed American, 0.01%; no homozygotes.

Submissions (2):

Ambry Genetics
Classification: Uncertain significance for Inborn genetic diseases. Last evaluated: 2025-08-05. Review status: criteria provided, single submitter. Criteria: Ambry Variant Classification Scheme 2023. Collection method: clinical testing. Allele origin: germline.

Labcorp Genetics (formerly Invitae), Labcorp
Classification: Uncertain significance. Last evaluated: 2025-07-16. Review status: criteria provided, single submitter. Criteria: Invitae Variant Classification Sherloc (09022015). Collection method: clinical testing. Allele origin: germline.
Comment: This sequence change replaces leucine, which is neutral and non-polar, with proline, which is neutral and non-polar, at codon 266 of the TUBG1 protein (p.Leu266Pro). This variant is present in population databases (rs772913181, gnomAD 0.02%). This variant has not been reported in the literature in individuals affected with TUBG1-related conditions. ClinVar contains an entry for this variant (Variation ID: 2182179). Invitae Evidence Modeling of protein sequence and biophysical properties (such as structural, functional, and spatial information, amino acid conservation, physicochemical variation, residue mobility, and thermodynamic stability) indicates that this missense variant is expected to disrupt TUBG1 protein function with a positive predictive value of 80%. In summary, the available evidence is currently insufficient to determine the role of this variant in disease. Therefore, it has been classified as a Variant of Uncertain Significance.

NM_001070.5(TUBG1):c.797T>C (p.Leu266Pro)

Gene: TUBG1 (tubulin gamma 1; plus strand). Cytogenetic location: 17q21.2.
Variant type: single nucleotide variant.
Coding change: c.797T>C on transcript NM_001070.5 (MANE Select); coding-DNA position 797, T replaced by C.
Protein change: p.Leu266Pro; replaces leucine 266 with proline.
Molecular consequence: missense variant.
Genome position (GRCh38, 1-based): chr17:42,613,952, T>C. VCF-style: chr17-42613952-T-C. GRCh37 (hg19) VCF-style: chr17-40765970-T-C.
Other names: c.797T>C (NM_001070.4); short protein forms L266P.
Identifiers: ClinVar variation 2182179 (VCV002182179.3), dbSNP rs772913181, ClinGen allele CA8579973.